The following is an entry in ClinVar:

ClinVar aggregate classification (germline): Uncertain significance (1 of 4 stars; one submission).

Conditions:
Congenital myasthenic syndrome 2A. Also called: Myasthenic syndrome, congenital, 2a, slow-channel. Identifiers: Orphanet 590, MedGen C4225374, MONDO:0014581, OMIM 616313.

Allele frequency attached by ClinVar (database versions not stated): gnomAD exomes 0.00005 and 0.00015; ExAC 0.00006; ESP Exome Variant Server 0.00008; gnomAD 0.00008 and 0.00009.
gnomAD v4.1: 224 of 1,608,470 alleles (0.014%); highest among the groups gnomAD compares: Non-Finnish European, 0.019%; 1 homozygote.

Submission:

Labcorp Genetics (formerly Invitae), Labcorp
Classification: Uncertain significance for Congenital myasthenic syndrome 2A. Last evaluated: 2025-08-20. Review status: criteria provided, single submitter. Criteria: Invitae Variant Classification Sherloc (09022015). Collection method: clinical testing. Allele origin: germline.
Comment: This sequence change falls in intron 3 of the CHRNB1 gene. It does not directly change the encoded amino acid sequence of the CHRNB1 protein. This variant is present in population databases (rs369504006, gnomAD 0.01%). This variant has not been reported in the literature in individuals affected with CHRNB1-related conditions. ClinVar contains an entry for this variant (Variation ID: 1468489). Algorithms developed to predict the effect of sequence changes on RNA splicing suggest that this variant may disrupt the consensus splice site. In summary, the available evidence is currently insufficient to determine the role of this variant in disease. Therefore, it has been classified as a Variant of Uncertain Significance.

NM_000747.3(CHRNB1):c.243+18G>T

Gene: CHRNB1 (cholinergic receptor nicotinic beta 1 subunit; plus strand). Cytogenetic location: 17p13.1.
Variant type: single nucleotide variant.
Coding change: c.243+18G>T on transcript NM_000747.3 (MANE Select); 18 bases into the intron after coding-DNA position 243, G replaced by T.
Molecular consequence: intron variant.
Genome position (GRCh38, 1-based): chr17:7,446,131, G>T. VCF-style: chr17-7446131-G-T. GRCh37 (hg19) VCF-style: chr17-7349450-G-T.
Identifiers: ClinVar variation 1468489 (VCV001468489.6), dbSNP rs369504006, ClinGen allele CA8347690.